The following is an entry in ClinVar:

ClinVar aggregate classification (germline): Uncertain significance (1 of 4 stars; one submission).

Conditions:
Inborn genetic diseases. Identifiers: MedGen C0950123, MeSH D030342.

Submission:

Ambry Genetics
Classification: Uncertain significance for Inborn genetic diseases. Last evaluated: 2025-10-21. Review status: criteria provided, single submitter. Criteria: Ambry Variant Classification Scheme 2023. Collection method: clinical testing. Allele origin: germline.
Comment: The p.C1036F variant (also known as c.3107G>T), located in coding exon 14 of the FANCM gene, results from a G to T substitution at nucleotide position 3107. The cysteine at codon 1036 is replaced by phenylalanine, an amino acid with highly dissimilar properties. This amino acid position is conserved. In addition, this alteration is predicted to be tolerated by in silico analysis. Based on the available evidence, the clinical significance of this variant remains unclear.

NM_020937.4(FANCM):c.3107G>T (p.Cys1036Phe)

Gene: FANCM (FA complementation group M; plus strand). Cytogenetic location: 14q21.2.
Variant type: single nucleotide variant.
Coding change: c.3107G>T on transcript NM_020937.4 (MANE Select); coding-DNA position 3107, G replaced by T.
Protein change: p.Cys1036Phe; replaces cysteine 1036 with phenylalanine.
Molecular consequence: missense variant.
Genome position (GRCh38, 1-based): chr14:45,175,861, G>T. VCF-style: chr14-45175861-G-T. GRCh37 (hg19) VCF-style: chr14-45645064-G-T.
Other names: c.3029G>T, p.Cys1010Phe (NM_001308133.2); short protein forms C1010F, C1036F.
Identifiers: ClinVar variation 4619499 (VCV004619499.1).